The following is an entry in ClinVar:

ClinVar aggregate classification (germline): Conflicting classifications of pathogenicity. Review status: criteria provided, conflicting classifications (1 of 4 stars). 2 submissions from 2 submitters: Likely pathogenic (1); Uncertain significance (1). Last evaluated 2026-02-27.

Conditions:
COG4-congenital disorder of glycosylation. Also called: CONGENITAL DISORDER OF GLYCOSYLATION, TYPE IIj; CDG IIj; COG4-CDG. Identifiers: Orphanet 263501, MedGen C4303552, MONDO:0013281, OMIM 613489.

Submissions (2):

Dasa
Classification: Uncertain significance. Last evaluated: 2026-02-27. Review status: criteria provided, single submitter. Criteria: DASA Assertion Criteria. Collection method: clinical testing. Allele origin: germline.
Comment: NM_015386.3(COG4):c.941G>A (p.Cys314Tyr) is a missense variant that results in the substitution of cysteine with tyrosine. This variant is rare in population databases. Computational prediction algorithms are consistent with a deleterious effect. The currently available literature and clinical evidence are not sufficient to establish a definitive association between this variant and the reported condition. Therefore, this variant is classified as a variant of uncertain significance.

The Laboratory of Genetics and Metabolism, Hunan Children’s Hospital
Classification: Likely pathogenic for COG4-congenital disorder of glycosylation. Last evaluated: 2021-03-06. Review status: criteria provided, single submitter. Criteria: ACMG Guidelines, 2015. Collection method: research. Allele origin: maternal. Affected: yes. Observed: 1 variant allele.
Comment: In compound heterozygosity following autosomal recessive inheritance.

Literature cited by the submitters: PubMed 34298581 (cited by The Laboratory of Genetics and Metabolism, Hunan Children’s Hospital).

NM_015386.3(COG4):c.941G>A (p.Cys314Tyr)

Gene: COG4 (component of oligomeric golgi complex 4; minus strand). Cytogenetic location: 16q22.1.
Variant type: single nucleotide variant.
Coding change: c.941G>A on transcript NM_015386.3 (MANE Select); coding-DNA position 941, G replaced by A.
Protein change: p.Cys314Tyr; replaces cysteine 314 with tyrosine.
Molecular consequence: missense variant. On other transcripts: non-coding transcript variant (1).
Genome position (GRCh38, 1-based): chr16:70,509,292, C>T on the plus strand (G>A on the coding strand, the complement: COG4 is on the minus strand). VCF-style: chr16-70509292-C-T. GRCh37 (hg19) VCF-style: chr16-70543195-C-T.
Other names: c.929G>A, p.Cys310Tyr (NM_001195139.2); c.515G>A, p.Cys172Tyr (NM_001365426.1); short protein forms C172Y, C310Y, C314Y.
Identifiers: ClinVar variation 1172781 (VCV001172781.4), dbSNP rs2151758141, ClinGen allele CA396575807.